The following is an entry in ClinVar:

NM_000687.4(AHCY):c.1223A>G (p.Lys408Arg)

Gene: AHCY (adenosylhomocysteinase; minus strand). Cytogenetic location: 20q11.22.
Variant type: single nucleotide variant.
Coding change: c.1223A>G on transcript NM_000687.4 (MANE Select); coding-DNA position 1223, A replaced by G.
Protein change: p.Lys408Arg; replaces lysine 408 with arginine.
Molecular consequence: missense variant.
Genome position (GRCh38, 1-based): chr20:34,281,110, T>C on the plus strand (A>G on the coding strand, the complement: AHCY is on the minus strand). VCF-style: chr20-34281110-T-C. GRCh37 (hg19) VCF-style: chr20-32868916-T-C.
Other names: c.1139A>G, p.Lys380Arg (NM_001161766.2, NM_001322084.2, NM_001322085.2); c.1229A>G, p.Lys410Arg (NM_001322086.2); c.1223A>G, p.Lys408Arg (NM_001362750.2); c.1223A>G (NM_000687.2); short protein forms K380R, K408R, K410R.
Identifiers: ClinVar variation 2076621 (VCV002076621.2), dbSNP rs373929711, ClinGen allele CA313342610.

ClinVar aggregate classification (germline): Uncertain significance. Review status: criteria provided, multiple submitters, no conflicts (2 of 4 stars). 2 submissions from 2 submitters: Uncertain significance (2). Last evaluated 2025-10-06.

Conditions:
Inborn genetic diseases. Identifiers: MedGen C0950123, MeSH D030342.
Hypermethioninemia with deficiency of S-adenosylhomocysteine hydrolase. Identifiers: Orphanet 88618, MedGen C3151058, MONDO:0013404, OMIM 613752.

Allele frequency attached by ClinVar (database versions not stated): gnomAD 0.00001; gnomAD exomes 0.00002; TOPMed 0.00003; ESP Exome Variant Server 0.00008.
gnomAD v4.1: 31 of 1,614,004 alleles (0.0019%); highest among the groups gnomAD compares: Admixed American, 0.0033%; no homozygotes.

Submissions (2):

Ambry Genetics
Classification: Uncertain significance for Inborn genetic diseases. Last evaluated: 2025-10-06. Review status: criteria provided, single submitter. Criteria: Ambry Variant Classification Scheme 2023. Collection method: clinical testing. Allele origin: germline.

Labcorp Genetics (formerly Invitae), Labcorp
Classification: Uncertain significance for Hypermethioninemia with deficiency of S-adenosylhomocysteine hydrolase. Last evaluated: 2022-03-14. Review status: criteria provided, single submitter. Criteria: Invitae Variant Classification Sherloc (09022015). Collection method: clinical testing. Allele origin: germline.
Comment: This sequence change replaces lysine, which is basic and polar, with arginine, which is basic and polar, at codon 408 of the AHCY protein (p.Lys408Arg). This variant is present in population databases (rs373929711, gnomAD 0.003%). This variant has not been reported in the literature in individuals affected with AHCY-related conditions. Algorithms developed to predict the effect of missense changes on protein structure and function are either unavailable or do not agree on the potential impact of this missense change (SIFT: "Not Available"; PolyPhen-2: "Benign"; Align-GVGD: "Not Available"). In summary, the available evidence is currently insufficient to determine the role of this variant in disease. Therefore, it has been classified as a Variant of Uncertain Significance.